The following is an entry in ClinVar:

NM_015267.4(CUX2):c.3421G>A (p.Gly1141Ser)

Gene: CUX2 (cut like homeobox 2; plus strand). Cytogenetic location: 12q24.12.
Variant type: single nucleotide variant.
Coding change: c.3421G>A on transcript NM_015267.4 (MANE Select); coding-DNA position 3421, G replaced by A.
Protein change: p.Gly1141Ser; replaces glycine 1141 with serine.
Molecular consequence: missense variant.
Genome position (GRCh38, 1-based): chr12:111,341,815, G>A. VCF-style: chr12-111341815-G-A. GRCh37 (hg19) VCF-style: chr12-111779619-G-A.
Other names: c.3235G>A, p.Gly1079Ser (NM_001370598.1); short protein forms G1079S, G1141S.
Identifiers: ClinVar variation 2368731 (VCV002368731.4), dbSNP rs200121526, ClinGen allele CA6789127.

ClinVar aggregate classification (germline): Likely benign. Review status: criteria provided, single submitter (1 of 4 stars). 2 submissions from 2 submitters: Likely benign (1). 1 of the submissions does not count toward it. Last evaluated 2022-12-27.

Conditions:
CUX2-related disorder. Also called: CUX2-related condition.
Inborn genetic diseases. Identifiers: MedGen C0950123, MeSH D030342.

Allele frequency attached by ClinVar (database versions not stated): gnomAD 0.00013; ESP Exome Variant Server 0.00016.
gnomAD v4.1: 206 of 1,611,192 alleles (0.013%); highest among the groups gnomAD compares: African/African-American, 0.02%; no homozygotes.

Submissions (2):

Ambry Genetics
Classification: Likely benign for Inborn genetic diseases. Last evaluated: 2022-12-27. Review status: criteria provided, single submitter. Criteria: Ambry Variant Classification Scheme 2023. Collection method: clinical testing. Allele origin: germline.

PreventionGenetics, part of Exact Sciences
Classification: Likely benign for CUX2-related condition. Last evaluated: 2022-08-05. Review status: no assertion criteria provided. Collection method: clinical testing. Allele origin: germline. Not counted in ClinVar's aggregate classification.
Comment: This variant is classified as likely benign based on ACMG/AMP sequence variant interpretation guidelines (Richards et al. 2015 PMID: 25741868, with internal and published modifications).